The following is an entry in ClinVar:

ClinVar aggregate classification (germline): Pathogenic/Likely pathogenic. Review status: criteria provided, multiple submitters, no conflicts (2 of 4 stars). 6 submissions from 4 submitters: Pathogenic (1); Likely pathogenic (1). 4 of the submissions do not count toward it. Last evaluated 2025-10-09.

Conditions:
Anemia, congenital dyserythropoietic, type IVb. Also called: CDA, TYPE IVb; ANEMIA, CONGENITAL, WITH HEREDITARY PERSISTENCE OF FETAL AND EMBRYONIC HEMOGLOBIN. Identifiers: MedGen C5975438, MONDO:0975829, OMIM 620969.
KLF1-related disorder. Also called: KLF1-Related Disorders; KLF1-related condition.
FETAL HEMOGLOBIN QUANTITATIVE TRAIT LOCUS 6 (HBFQTL6). Also called: HEREDITARY PERSISTENCE OF FETAL HEMOGLOBIN, KLF1-RELATED. Identifiers: Orphanet 251380, MedGen C3150805, OMIM 613566.
BLOOD GROUP--LUTHERAN INHIBITOR (INLU). Also called: DOMINANT LU (a-b-) PHENOTYPE. Identifiers: MedGen C1292231, OMIM 111150.

Submissions (6):

Labcorp Genetics (formerly Invitae), Labcorp
Classification: Likely pathogenic. Last evaluated: 2025-10-09. Review status: criteria provided, single submitter. Criteria: Invitae Variant Classification Sherloc (09022015). Collection method: clinical testing. Allele origin: germline.
Comment: This sequence change creates a premature translational stop signal (p.Arg319Glufs*34) in the KLF1 gene. While this is not anticipated to result in nonsense mediated decay, it is expected to disrupt the last 44 amino acid(s) of the KLF1 protein. This variant is present in population databases (rs397514445, gnomAD 0.009%). This premature translational stop signal has been observed in individual(s) with autosomal recessive congenital hemolytic anemia (PMID: 25724378). In at least one individual the data is consistent with being in trans (on the opposite chromosome) from a pathogenic variant. ClinVar contains an entry for this variant (Variation ID: 8999). Studies have shown that this premature translational stop signal alters KLF1 gene expression (PMID: 25724378). In summary, the currently available evidence indicates that the variant is pathogenic, but additional data are needed to prove that conclusively. Therefore, this variant has been classified as Likely Pathogenic.

Women's Health and Genetics/Laboratory Corporation of America, LabCorp
Classification: Pathogenic for KLF1-Related Disorders. Last evaluated: 2025-05-16. Review status: criteria provided, single submitter. Criteria: LabCorp Variant Classification Summary - May 2015. Collection method: clinical testing. Allele origin: germline.
Comment: Variant summary: KLF1 c.954dupG (p.Arg319GlufsX34) results in a premature termination codon, and although it is not predicted to cause absence of the protein due to nonsense mediated decay, it is expected to result in truncation of the encoded protein, which is a commonly known mechanism for disease. At least one variant located downstream has been classified as pathogenic in ClinVar. The variant allele was found at a frequency of 2.4e-05 in 245656 control chromosomes. c.954dupG has been observed in the compound heterozygous state in trans with a nonsense variant in an individual affected with autosomal recessive congenital dyserythropoietic anemia type IVb (Magor_2015). Additionally, publications provide experimental evidence from individuals harboring the variant suggesting the resultant protein is unlikely to be translated/stably expressed, and/or some degree of nonsense mediated decay occurs (Singleton_2011, Magor_2015). The following publications have been ascertained in the context of this evaluation (PMID: 25724378, 18487511, 21778342).ClinVar contains an entry for this variant (Variation ID: 8999). This variant has been reported in the heterozygous state in individuals with the benign Lutheran inhibitor blood group phenotype (In(Lu))(e.g. Singleton_2008) but to our knowledge, it has not been reported in individuals with autosomal dominant congenital dyserythropoietic anemia type IVa. Based on the evidence outlined above, the variant was classified as pathogenic for autosomal recessive congenital dyserythropoietic anemia type IVb.

PreventionGenetics, part of Exact Sciences
Classification: Likely benign for KLF1-related condition. Last evaluated: 2024-06-14. Review status: no assertion criteria provided. Collection method: clinical testing. Allele origin: germline. Not counted in ClinVar's aggregate classification.
Comment: This variant is classified as likely benign based on ACMG/AMP sequence variant interpretation guidelines (Richards et al. 2015 PMID: 25741868, with internal and published modifications).

OMIM
Classification: Pathogenic for BLOOD GROUP--LUTHERAN INHIBITOR. Last evaluated: 2008-09-01. Review status: no assertion criteria provided. Collection method: literature only. Allele origin: germline. Not counted in ClinVar's aggregate classification.

OMIM
Classification: Pathogenic for ANEMIA, CONGENITAL DYSERYTHROPOIETIC, TYPE IVb. Last evaluated: 2008-09-01. Review status: no assertion criteria provided. Collection method: literature only. Allele origin: germline. Not counted in ClinVar's aggregate classification.

OMIM
Classification: Affects for HEREDITARY PERSISTENCE OF FETAL HEMOGLOBIN, KLF1-RELATED. Last evaluated: 2008-09-01. Review status: no assertion criteria provided. Collection method: literature only. Allele origin: germline. Not counted in ClinVar's aggregate classification.

Literature cited by the submitters: PubMed 25724378 (cited by 3 submitters); PubMed 18487511 (cited by Women's Health and Genetics/Laboratory Corporation of America, LabCorp and OMIM); PubMed 21778342 (cited by Women's Health and Genetics/Laboratory Corporation of America, LabCorp).

NM_006563.5(KLF1):c.954dup (p.Arg319fs)

Genes: KLF1 (KLF transcription factor 1; minus strand), LOC117125591 (CRISPRi-FlowFISH-validated PRDX2 and RAD23A regulatory element; plus strand). Cytogenetic location: 19p13.13.
Variant type: Duplication.
Coding change: c.954dup on transcript NM_006563.5 (MANE Select); coding-DNA position 954, one base duplicated (G; older notation c.954dupG).
Protein change: p.Arg319fs; shifts the reading frame from arginine 319.
Molecular consequence: frameshift variant.
Genome position (GRCh38, 1-based): chr19:12,885,020, C duplicated on the plus strand (G on the coding strand, the reverse complement: KLF1 is on the minus strand); the first of 2 consecutive C bases (chr19:12,885,020-12,885,021); duplicating either gives the same sequence. VCF-style (leftmost placement, unchanged base first): chr19-12885019-T-TC. GRCh37 (hg19) VCF-style: chr19-12995833-T-TC.
Other names: c.954dupG (NM_006563.5); short protein forms R319fs.
Identifiers: ClinVar variation 8999 (VCV000008999.7), dbSNP rs397514445, ClinGen allele CA120047.